The following is an entry in ClinVar:

ClinVar aggregate classification (germline): Pathogenic (1 of 4 stars; one submission).

Conditions:
Nemaline myopathy 2 (NEM2). Also called: Nemaline myopathy 2, autosomal recessive. Identifiers: MedGen C1850569, MONDO:0009725, OMIM 256030.

Submission:

Labcorp Genetics (formerly Invitae), Labcorp
Classification: Pathogenic for Nemaline myopathy 2. Last evaluated: 2024-02-17. Review status: criteria provided, single submitter. Criteria: Invitae Variant Classification Sherloc (09022015). Collection method: clinical testing. Allele origin: germline.
Comment: This sequence change creates a premature translational stop signal (p.Leu2015Trpfs*9) in the NEB gene. It is expected to result in an absent or disrupted protein product. Loss-of-function variants in NEB are known to be pathogenic (PMID: 25205138). This variant is not present in population databases (gnomAD no frequency). This variant has not been reported in the literature in individuals affected with NEB-related conditions. For these reasons, this variant has been classified as Pathogenic.

Literature cited by the submitters: PubMed 25205138.

NM_001164508.2(NEB):c.6044del (p.Leu2015fs)

Gene: NEB (nebulin; minus strand). Cytogenetic location: 2q23.3.
Variant type: Deletion.
Coding change: c.6044del on transcript NM_001164508.2 (MANE Select); coding-DNA position 6044, one base deleted (T; older notation c.6044delT).
Protein change: p.Leu2015fs; shifts the reading frame from leucine 2015.
Molecular consequence: frameshift variant.
Genome position (GRCh38, 1-based): chr2:151,659,096, A deleted on the plus strand (T on the coding strand, the reverse complement: NEB is on the minus strand); the first of 4 consecutive A bases (chr2:151,659,096-151,659,099); deleting any one gives the same sequence. VCF-style (leftmost placement, unchanged base first): chr2-151659095-CA-C. GRCh37 (hg19) VCF-style: chr2-152515609-CA-C.
Other names: c.6044del, p.Leu2015fs (NM_001164507.2, NM_001271208.2, NM_004543.5); short protein forms L2015fs.
Identifiers: ClinVar variation 3641452 (VCV003641452.2).